The following is an entry in ClinVar:

NM_000208.4(INSR):c.*3592A>G

Genes: INSR (insulin receptor; minus strand), LOC129391047 (MPRA-validated peak3314 silencer; plus strand). Cytogenetic location: 19p13.2.
Variant type: single nucleotide variant.
Coding change: c.*3592A>G on transcript NM_000208.4 (MANE Select); 3592 bases downstream of the stop codon, A replaced by G.
Molecular consequence: 3 prime UTR variant.
Genome position (GRCh38, 1-based): chr19:7,113,464, T>C on the plus strand (A>G on the coding strand, the complement: INSR is on the minus strand). VCF-style: chr19-7113464-T-C. GRCh37 (hg19) VCF-style: chr19-7113475-T-C.
Other names: c.*3592A>G (NM_001079817.3).
Identifiers: ClinVar variation 330364 (VCV000330364.5), dbSNP rs75499056, ClinGen allele CA10649197.

ClinVar aggregate classification (germline): Benign. Review status: criteria provided, single submitter (1 of 4 stars). 3 submissions from 1 submitter: Benign (3). Last evaluated 2018-01-13.

Conditions:
Rabson-Mendenhall syndrome. Also called: MENDENHALL SYNDROME; Pineal Hyperplasia, Insulin-Resistant Diabetes Mellitus, and Somatic Abnormalities; Pineal hyperplasia AND diabetes mellitus syndrome. Identifiers: Orphanet 769, MedGen C0271695, MONDO:0009874, OMIM 262190.
Leprechaunism syndrome. Also called: Donohue syndrome; LEPRECHAUNISM. Identifiers: Orphanet 508, MedGen C0265344, MONDO:0009517, OMIM 246200.
Insulin-resistant diabetes mellitus AND acanthosis nigricans. Also called: Insulin-resistance syndrome type A; INSULIN RECEPTOR, DEFECT IN, WITH INSULIN-RESISTANT DIABETES MELLITUS AND ACANTHOSIS NIGRICANS; IRAN, TYPE A; type A insulin resistance; DIABETES MELLITUS, INSULIN-RESISTANT, WITH ACANTHOSIS NIGRICANS, TYPE A. Identifiers: Orphanet 2297, MedGen C0342278, MONDO:0012520, OMIM 610549.

Allele frequency attached by ClinVar (database versions not stated): gnomAD 0.01419 and 0.01497; TOPMed 0.01561; 1000 Genomes Project 0.02157; 1000 Genomes Project 30x 0.02374.

Submissions (3):

Illumina Laboratory Services, Illumina
Classification: Benign for Insulin-resistant diabetes mellitus AND acanthosis nigricans. Last evaluated: 2018-01-13. Review status: criteria provided, single submitter. Criteria: ICSL Variant Classification Criteria 13 December 2019. Collection method: clinical testing. Allele origin: germline.
Comment: This variant was observed in the ICSL laboratory as part of a predisposition screen in an ostensibly healthy population. It had not been previously curated by ICSL or reported in the Human Gene Mutation Database (HGMD: prior to June 1st, 2018), and was therefore a candidate for classification through an automated scoring system. Utilizing variant allele frequency, disease prevalence and penetrance estimates, and inheritance mode, an automated score was calculated to assess if this variant is too frequent to cause the disease. Based on the score and internal cut-off values, a variant classified as benign is not then subjected to further curation. The score for this variant resulted in a classification of benign for this disease.

Illumina Laboratory Services, Illumina
Classification: Benign for Rabson-Mendenhall syndrome. Last evaluated: 2018-01-13. Review status: criteria provided, single submitter. Criteria: ICSL Variant Classification Criteria 13 December 2019. Collection method: clinical testing. Allele origin: germline.
Comment: the same text as in the submission from Illumina Laboratory Services, Illumina above.

Illumina Laboratory Services, Illumina
Classification: Benign for Leprechaunism syndrome. Last evaluated: 2018-01-13. Review status: criteria provided, single submitter. Criteria: ICSL Variant Classification Criteria 13 December 2019. Collection method: clinical testing. Allele origin: germline.
Comment: the same text as in the submission from Illumina Laboratory Services, Illumina above.